The following is an entry in ClinVar:

NM_003072.5(SMARCA4):c.704G>A (p.Gly235Asp)

Gene: SMARCA4 (SWI/SNF related BAF chromatin remodeling complex subunit ATPase 4; plus strand). Cytogenetic location: 19p13.2.
Variant type: single nucleotide variant.
Coding change: c.704G>A on transcript NM_003072.5 (MANE Select); coding-DNA position 704, G replaced by A.
Protein change: p.Gly235Asp; replaces glycine 235 with aspartic acid.
Molecular consequence: missense variant. On other transcripts: non-coding transcript variant (1).
Genome position (GRCh38, 1-based): chr19:10,986,537, G>A. VCF-style: chr19-10986537-G-A. GRCh37 (hg19) VCF-style: chr19-11097213-G-A.
Other names: c.704G>A, p.Gly235Asp (NM_001128844.3, NM_001128845.2, NM_001128846.2 and 5 more transcripts); short protein forms G235D.
Identifiers: ClinVar variation 1055091 (VCV001055091.13), dbSNP rs1240479086, ClinGen allele CA404057083.
Genomic context (GRCh38, chr19:10,986,537, plus strand): 5'-AGCAGATGCCAACGCTACCTCCACCCTCGGTGTCCGCAACAGGACCCGGCCCTGGCCCTG[G>A]CCCTGGCCCCGGCCCGGGTCCCGGCCCGGCACCTCCAAATTACAGCAGGCCTCATGGTAA-3'
Protein context (NP_003063.2, residues 225-245): VSATGPGPGP[Gly235Asp]PGPGPGPGPA

ClinVar aggregate classification (germline): Uncertain significance. Review status: criteria provided, multiple submitters, no conflicts (2 of 4 stars). 3 submissions from 3 submitters: Uncertain significance (3). Last evaluated 2024-12-04.

Conditions:
Hereditary cancer-predisposing syndrome. Also called: Hereditary Cancer Syndrome; Tumor predisposition; Hereditary neoplastic syndrome; Neoplastic Syndromes, Hereditary. Identifiers: Orphanet 140162, MedGen C0027672, MeSH D009386, MONDO:0015356.
Rhabdoid tumor predisposition syndrome 2 (RTPS2). Identifiers: Orphanet 231108, Orphanet 69077, MedGen C2750074, MONDO:0013224, OMIM 613325.

Allele frequency attached by ClinVar (database versions not stated): gnomAD exomes 0.00001.
gnomAD v4.1: 4 of 1,541,622 alleles (0.00026%); highest among the groups gnomAD compares: Non-Finnish European, 0.000087%; no homozygotes.

Submissions (3):

Ambry Genetics
Classification: Uncertain significance for Hereditary cancer-predisposing syndrome. Last evaluated: 2024-12-04. Review status: criteria provided, single submitter. Criteria: Ambry Variant Classification Scheme 2023. Collection method: clinical testing. Allele origin: germline.
Comment: The p.G235D variant (also known as c.704G>A), located in coding exon 3 of the SMARCA4 gene, results from a G to A substitution at nucleotide position 704. The glycine at codon 235 is replaced by aspartic acid, an amino acid with similar properties. This amino acid position is highly conserved in available vertebrate species. In addition, the in silico prediction for this alteration is inconclusive. Since supporting evidence is limited at this time, the clinical significance of this alteration remains unclear.

Labcorp Genetics (formerly Invitae), Labcorp
Classification: Uncertain significance for Rhabdoid tumor predisposition syndrome 2. Last evaluated: 2023-12-01. Review status: criteria provided, single submitter. Criteria: Invitae Variant Classification Sherloc (09022015). Collection method: clinical testing. Allele origin: germline.
Comment: This sequence change replaces glycine, which is neutral and non-polar, with aspartic acid, which is acidic and polar, at codon 235 of the SMARCA4 protein (p.Gly235Asp). This variant is not present in population databases (gnomAD no frequency). This variant has not been reported in the literature in individuals affected with SMARCA4-related conditions. ClinVar contains an entry for this variant (Variation ID: 1055091). Advanced modeling of protein sequence and biophysical properties (such as structural, functional, and spatial information, amino acid conservation, physicochemical variation, residue mobility, and thermodynamic stability) performed at Invitae indicates that this missense variant is not expected to disrupt SMARCA4 protein function with a negative predictive value of 95%. In summary, the available evidence is currently insufficient to determine the role of this variant in disease. Therefore, it has been classified as a Variant of Uncertain Significance.

Baylor Genetics
Classification: Uncertain significance for Rhabdoid tumor predisposition syndrome 2. Last evaluated: 2023-11-08. Review status: criteria provided, single submitter. Criteria: ACMG Guidelines, 2015. Collection method: clinical testing. Allele origin: unknown.